The following is an entry in ClinVar:

ClinVar aggregate classification (germline): Uncertain significance (1 of 4 stars; one submission).

Submission:

Labcorp Genetics (formerly Invitae), Labcorp
Classification: Uncertain significance. Last evaluated: 2025-06-22. Review status: criteria provided, single submitter. Criteria: Invitae Variant Classification Sherloc (09022015). Collection method: clinical testing. Allele origin: germline.
Comment: This sequence change replaces leucine, which is neutral and non-polar, with phenylalanine, which is neutral and non-polar, at codon 47 of the RPL9 protein (p.Leu47Phe). This variant is present in population databases (no rsID available, gnomAD no frequency). This variant has not been reported in the literature in individuals affected with RPL9-related conditions. An algorithm developed to predict the effect of missense changes on protein structure and function (PolyPhen-2) suggests that this variant is likely to be tolerated. In summary, the available evidence is currently insufficient to determine the role of this variant in disease. Therefore, it has been classified as a Variant of Uncertain Significance.

NM_000661.5(RPL9):c.139C>T (p.Leu47Phe)

Gene: RPL9 (ribosomal protein L9; minus strand). Cytogenetic location: 4p14.
Variant type: single nucleotide variant.
Coding change: c.139C>T on transcript NM_000661.5 (MANE Select); coding-DNA position 139, C replaced by T.
Protein change: p.Leu47Phe; replaces leucine 47 with phenylalanine.
Molecular consequence: missense variant.
Genome position (GRCh38, 1-based): chr4:39,458,217, G>A on the plus strand (C>T on the coding strand, the complement: RPL9 is on the minus strand). VCF-style: chr4-39458217-G-A. GRCh37 (hg19) VCF-style: chr4-39459837-G-A.
Other names: c.139C>T, p.Leu47Phe (NM_001024921.4); short protein forms L47F.
Identifiers: ClinVar variation 4753102 (VCV004753102.1).